The following is an entry in ClinVar:

NM_015650.4(TRAF3IP1):c.522del (p.Glu175fs)

Gene: TRAF3IP1 (TRAF3 interacting protein 1; plus strand). Cytogenetic location: 2q37.3.
Variant type: Deletion.
Coding change: c.522del on transcript NM_015650.4 (MANE Select); coding-DNA position 522, one base deleted (A; older notation c.522delA).
Protein change: p.Glu175fs; shifts the reading frame from glutamic acid 175.
Molecular consequence: frameshift variant.
Genome position (GRCh38, 1-based): chr2:238,328,949, A deleted; the last of 4 consecutive A bases (chr2:238,328,946-238,328,949); deleting any one gives the same sequence. VCF-style (leftmost placement, unchanged base first): chr2-238328945-TA-T. GRCh37 (hg19) VCF-style: chr2-239237586-TA-T.
Other names: c.522del, p.Glu175fs (NM_001139490.1); short protein forms E175fs.
Identifiers: ClinVar variation 1352748 (VCV001352748.6), dbSNP rs2106363697, ClinGen allele CA2573135633.

ClinVar aggregate classification (germline): Pathogenic (1 of 4 stars; one submission).

Submission:

Labcorp Genetics (formerly Invitae), Labcorp
Classification: Pathogenic. Last evaluated: 2021-12-29. Review status: criteria provided, single submitter. Criteria: Invitae Variant Classification Sherloc (09022015). Collection method: clinical testing. Allele origin: germline.
Comment: For these reasons, this variant has been classified as Pathogenic. This variant has not been reported in the literature in individuals affected with TRAF3IP1-related conditions. This variant is not present in population databases (gnomAD no frequency). This sequence change creates a premature translational stop signal (p.Glu175Argfs*14) in the TRAF3IP1 gene. It is expected to result in an absent or disrupted protein product. Loss-of-function variants in TRAF3IP1 are known to be pathogenic (PMID: 21945076, 26487268).

Literature cited by the submitters: PubMed 21945076; PubMed 26487268.